The following is an entry in ClinVar:

NM_021942.6(TRAPPC11):c.3194G>A (p.Arg1065Gln)

Gene: TRAPPC11 (trafficking protein particle complex subunit 11; plus strand). Cytogenetic location: 4q35.1.
Variant type: single nucleotide variant.
Coding change: c.3194G>A on transcript NM_021942.6 (MANE Select); coding-DNA position 3194, G replaced by A.
Protein change: p.Arg1065Gln; replaces arginine 1065 with glutamine.
Molecular consequence: missense variant.
Genome position (GRCh38, 1-based): chr4:183,708,411, G>A. VCF-style: chr4-183708411-G-A. GRCh37 (hg19) VCF-style: chr4-184629564-G-A.
Other names: c.3194G>A (NM_021942.4); c.3194G>A, p.Arg1065Gln (NM_199053.3); short protein forms R1065Q.
Identifiers: ClinVar variation 448699 (VCV000448699.12), dbSNP rs567387885, ClinGen allele CA3152472.

ClinVar aggregate classification (germline): Uncertain significance. Review status: criteria provided, multiple submitters, no conflicts (2 of 4 stars). 5 submissions from 5 submitters: Uncertain significance (5). Last evaluated 2025-07-15.

Conditions:
Inborn genetic diseases. Identifiers: MedGen C0950123, MeSH D030342.
Autosomal recessive limb-girdle muscular dystrophy type R18 (LGMDR18). Also called: Limb-girdle muscular dystrophy, type 2S; Autosomal recessive limb-girdle muscular dystrophy type 2S; MUSCULAR DYSTROPHY, LIMB-GIRDLE, AUTOSOMAL RECESSIVE 18. Identifiers: Orphanet 369840, MedGen C4517996, MONDO:0014144, OMIM 615356.

Allele frequency attached by ClinVar (database versions not stated): gnomAD 0.00004; gnomAD exomes 0.00004 and 0.00007; TOPMed 0.00006; ExAC 0.00007; 1000 Genomes Project 30x 0.00016; 1000 Genomes Project 0.00020.
gnomAD v4.1: 60 of 1,611,616 alleles (0.0037%); highest among the groups gnomAD compares: African/African-American, 0.0053%; no homozygotes.

Submissions (5):

Ambry Genetics
Classification: Uncertain significance for Inborn genetic diseases. Last evaluated: 2025-07-15. Review status: criteria provided, single submitter. Criteria: Ambry Variant Classification Scheme 2023. Collection method: clinical testing. Allele origin: germline.

Revvity Omics, Revvity
Classification: Uncertain significance for Autosomal recessive limb-girdle muscular dystrophy type R18. Last evaluated: 2022-09-27. Review status: criteria provided, single submitter. Criteria: ACMG Guidelines, 2015. Collection method: clinical testing. Allele origin: germline.

Labcorp Genetics (formerly Invitae), Labcorp
Classification: Uncertain significance for Autosomal recessive limb-girdle muscular dystrophy type R18. Last evaluated: 2022-05-04. Review status: criteria provided, single submitter. Criteria: Invitae Variant Classification Sherloc (09022015). Collection method: clinical testing. Allele origin: germline.
Comment: This sequence change replaces arginine, which is basic and polar, with glutamine, which is neutral and polar, at codon 1065 of the TRAPPC11 protein (p.Arg1065Gln). This variant is present in population databases (rs567387885, gnomAD 0.08%). This variant has not been reported in the literature in individuals affected with TRAPPC11-related conditions. ClinVar contains an entry for this variant (Variation ID: 448699). Algorithms developed to predict the effect of missense changes on protein structure and function are either unavailable or do not agree on the potential impact of this missense change (SIFT: "Tolerated"; PolyPhen-2: "Possibly Damaging"; Align-GVGD: "Class C0"). In summary, the available evidence is currently insufficient to determine the role of this variant in disease. Therefore, it has been classified as a Variant of Uncertain Significance.

GeneDx
Classification: Uncertain significance. Last evaluated: 2022-01-25. Review status: criteria provided, single submitter. Criteria: GeneDx Variant Classification Process June 2021. Collection method: clinical testing. Allele origin: germline. Affected: yes.
Comment: In silico analysis supports that this missense variant does not alter protein structure/function; Has not been previously published as pathogenic or benign to our knowledge

Athena Diagnostics
Classification: Uncertain significance. Last evaluated: 2016-09-13. Review status: criteria provided, single submitter. Criteria: Athena Diagnostics Criteria. Collection method: clinical testing. Allele origin: germline.